The following is an entry in ClinVar:

ClinVar aggregate classification (germline): Uncertain significance (1 of 4 stars; one submission).

Conditions:
Hereditary cancer-predisposing syndrome. Also called: Neoplastic Syndromes, Hereditary; Tumor predisposition; Hereditary Cancer Syndrome; Hereditary neoplastic syndrome. Identifiers: Orphanet 140162, MedGen C0027672, MeSH D009386, MONDO:0015356.

Submission:

Ambry Genetics
Classification: Uncertain significance for Hereditary cancer-predisposing syndrome. Last evaluated: 2025-02-16. Review status: criteria provided, single submitter. Criteria: Ambry Variant Classification Scheme 2023. Collection method: clinical testing. Allele origin: germline.
Comment: The p.D563E variant (also known as c.1689T>A), located in coding exon 11 of the BRIP1 gene, results from a T to A substitution at nucleotide position 1689. The aspartic acid at codon 563 is replaced by glutamic acid, an amino acid with highly similar properties. This amino acid position is well conserved in available vertebrate species. In addition, this alteration is predicted to be tolerated by in silico analysis. Since supporting evidence is limited at this time, the clinical significance of this alteration remains unclear.

NM_032043.3(BRIP1):c.1689T>A (p.Asp563Glu)

Gene: BRIP1 (BRCA1 interacting DNA helicase 1; minus strand). Cytogenetic location: 17q23.2.
Variant type: single nucleotide variant.
Coding change: c.1689T>A on transcript NM_032043.3 (MANE Select); coding-DNA position 1689, T replaced by A.
Protein change: p.Asp563Glu; replaces aspartic acid 563 with glutamic acid.
Molecular consequence: missense variant.
Genome position (GRCh38, 1-based): chr17:61,780,945, A>T on the plus strand (T>A on the coding strand, the complement: BRIP1 is on the minus strand). VCF-style: chr17-61780945-A-T. GRCh37 (hg19) VCF-style: chr17-59858306-A-T.
Other names: short protein forms D563E.
Identifiers: ClinVar variation 819837 (VCV000819837.5), dbSNP rs1603334654, ClinGen allele CA400480460.